The following is an entry in ClinVar:

NM_152564.5(VPS13B):c.10976G>T (p.Arg3659Leu)

Gene: VPS13B (vacuolar protein sorting 13 homolog B; plus strand). Cytogenetic location: 8q22.2.
Variant type: single nucleotide variant.
Coding change: c.10976G>T on transcript NM_152564.5 (MANE Select); coding-DNA position 10976, G replaced by T.
Protein change: p.Arg3659Leu; replaces arginine 3659 with leucine.
Molecular consequence: missense variant.
Genome position (GRCh38, 1-based): chr8:99,859,412, G>T. VCF-style: chr8-99859412-G-T. GRCh37 (hg19) VCF-style: chr8-100871640-G-T.
Other names: c.10976G>T (NM_152564.4); c.11051G>T, p.Arg3684Leu (NM_017890.5); c.11051G>T (NM_017890.3); short protein forms R3659L, R3684L.
Identifiers: ClinVar variation 860329 (VCV000860329.11), dbSNP rs370507425, ClinGen allele CA182318942.

ClinVar aggregate classification (germline): Uncertain significance. Review status: criteria provided, multiple submitters, no conflicts (2 of 4 stars). 4 submissions from 4 submitters: Uncertain significance (3). 1 of the submissions does not count toward it. Last evaluated 2025-03-22.

Conditions:
Inborn genetic diseases. Identifiers: MedGen C0950123, MeSH D030342.
Cohen syndrome (COH1). Also called: PEPPER SYNDROME; Cutis verticis gyrata, retinitis pigmentosa, and sensorineural deafness. Identifiers: Orphanet 193, MedGen C0265223, MONDO:0008999, OMIM 216550.
VPS13B-related disorder. Also called: VPS13B-related condition.

gnomAD v4.1: 1 of 1,614,120 alleles (0.000062%); highest among the groups gnomAD compares: South Asian, 0.0011%; no homozygotes.

Submissions (4):

PreventionGenetics, part of Exact Sciences
Classification: Uncertain significance for VPS13B-related condition. Last evaluated: 2025-03-22. Review status: criteria provided, single submitter. Criteria: ACMG Guidelines, 2015. Collection method: clinical testing. Allele origin: germline.
Comment: The VPS13B c.10976G>T variant is predicted to result in the amino acid substitution p.Arg3659Leu. To our knowledge, this variant has not been reported in the literature or in a large population database (gnomAD), indicating this variant is rare. At this time, the clinical significance of this variant is uncertain due to the absence of conclusive functional and genetic evidence.

Ambry Genetics
Classification: Uncertain significance for Inborn genetic diseases. Last evaluated: 2024-06-10. Review status: criteria provided, single submitter. Criteria: Ambry Variant Classification Scheme 2023. Collection method: clinical testing. Allele origin: germline.

Labcorp Genetics (formerly Invitae), Labcorp
Classification: Uncertain significance for Cohen syndrome. Last evaluated: 2022-02-10. Review status: criteria provided, single submitter. Criteria: Invitae Variant Classification Sherloc (09022015). Collection method: clinical testing. Allele origin: germline.
Comment: This sequence change replaces arginine, which is basic and polar, with leucine, which is neutral and non-polar, at codon 3684 of the VPS13B protein (p.Arg3684Leu). This variant is not present in population databases (gnomAD no frequency). This variant has not been reported in the literature in individuals affected with VPS13B-related conditions. ClinVar contains an entry for this variant (Variation ID: 860329). Algorithms developed to predict the effect of missense changes on protein structure and function are either unavailable or do not agree on the potential impact of this missense change (SIFT: "Not Available"; PolyPhen-2: "Benign"; Align-GVGD: "Not Available"). In summary, the available evidence is currently insufficient to determine the role of this variant in disease. Therefore, it has been classified as a Variant of Uncertain Significance.

Natera, Inc.
Classification: Uncertain significance for Cohen syndrome. Last evaluated: 2020-10-12. Review status: no assertion criteria provided. Collection method: clinical testing. Allele origin: germline. Not counted in ClinVar's aggregate classification.